The following is an entry in ClinVar:

ClinVar aggregate classification (germline): Pathogenic (1 of 4 stars; one submission).

Submission:

Labcorp Genetics (formerly Invitae), Labcorp
Classification: Pathogenic. Last evaluated: 2020-12-21. Review status: criteria provided, single submitter. Criteria: Invitae Variant Classification Sherloc (09022015). Collection method: clinical testing. Allele origin: germline.
Comment: This sequence change creates a premature translational stop signal (p.Gly1511Aspfs*75) in the KMT2A gene. It is expected to result in an absent or disrupted protein product. Loss-of-function variants in KMT2A are known to be pathogenic (PMID: 22795537, 25810209, 29574747). This variant is not present in population databases (ExAC no frequency). This variant has not been reported in the literature in individuals with KMT2A-related conditions. For these reasons, this variant has been classified as Pathogenic.

Literature cited by the submitters: PubMed 22795537; PubMed 25810209; PubMed 29574747.

NM_001197104.2(KMT2A):c.4532del (p.Gly1511fs)

Gene: KMT2A (lysine methyltransferase 2A; plus strand). Cytogenetic location: 11q23.3.
Variant type: Deletion.
Coding change: c.4532del on transcript NM_001197104.2 (MANE Select); coding-DNA position 4532, one base deleted (G; older notation c.4532delG).
Protein change: p.Gly1511fs; shifts the reading frame from glycine 1511.
Molecular consequence: frameshift variant.
Genome position (GRCh38, 1-based): chr11:118,489,844, G deleted; the last of 3 consecutive G bases (chr11:118,489,842-118,489,844); deleting any one gives the same sequence. VCF-style (leftmost placement, unchanged base first): chr11-118489841-TG-T. GRCh37 (hg19) VCF-style: chr11-118360556-TG-T.
Other names: c.4532del, p.Gly1511fs (NM_005933.4); short protein forms G1511fs.
Identifiers: ClinVar variation 1454749 (VCV001454749.6), dbSNP rs2134332825, ClinGen allele CA2573147028.
Genomic context (GRCh38, chr11:118,489,841, plus strand): 5'-TTTTCTTACAGCAGCTGCTGGAGTGTAATAAGTGCCGAAACAGCTATCACCCTGAGTGCC[TG>T]GGACCAAACTACCCCACCAAACCCACAAAGAAGAAGAAAGTCTGGGTGAGTTATACACAT-3'